The following is an entry in ClinVar:

ClinVar aggregate classification (germline): Likely benign. Review status: criteria provided, multiple submitters, no conflicts (2 of 4 stars). 2 submissions from 2 submitters: Likely benign (2). Last evaluated 2023-03-01.

Allele frequency attached by ClinVar (database versions not stated): gnomAD 0.00006; TOPMed 0.00008.
gnomAD v4.1: 180 of 1,605,112 alleles (0.011%); highest among the groups gnomAD compares: Non-Finnish European, 0.014%; no homozygotes.

Submissions (2):

CeGaT Center for Human Genetics Tuebingen
Classification: Likely benign. Last evaluated: 2023-03-01. Review status: criteria provided, single submitter. Criteria: CeGaT Center For Human Genetics Tuebingen Variant Classification Criteria Version 2. Collection method: clinical testing. Allele origin: germline. Affected: yes. Observed: 1 variant allele.
Comment: AP5B1: BP4, BP7

Labcorp Genetics (formerly Invitae), Labcorp
Classification: Likely benign. Last evaluated: 2018-06-05. Review status: criteria provided, single submitter. Criteria: Invitae Variant Classification Sherloc (09022015). Collection method: clinical testing. Allele origin: germline.

NM_138368.5(AP5B1):c.1035G>T (p.Ala345=)

Gene: AP5B1 (adaptor related protein complex 5 subunit beta 1; minus strand). Cytogenetic location: 11q13.1.
Variant type: single nucleotide variant.
Coding change: c.1035G>T on transcript NM_138368.5 (MANE Select); coding-DNA position 1035, G replaced by T.
Protein change: p.Ala345=; no amino-acid change (alanine 345 retained).
Molecular consequence: synonymous variant.
Genome position (GRCh38, 1-based): chr11:65,779,458, C>A on the plus strand (G>T on the coding strand, the complement: AP5B1 is on the minus strand). VCF-style: chr11-65779458-C-A. GRCh37 (hg19) VCF-style: chr11-65546929-C-A.
Identifiers: ClinVar variation 724774 (VCV000724774.27), dbSNP rs758246233, ClinGen allele CA6108295.